The following is an entry in ClinVar:

ClinVar aggregate classification (germline): Uncertain significance (1 of 4 stars; one submission).

Submission:

Labcorp Genetics (formerly Invitae), Labcorp
Classification: Uncertain significance. Last evaluated: 2024-06-06. Review status: criteria provided, single submitter. Criteria: Invitae Variant Classification Sherloc (09022015). Collection method: clinical testing. Allele origin: germline.
Comment: This sequence change replaces proline, which is neutral and non-polar, with threonine, which is neutral and polar, at codon 475 of the NAF1 protein (p.Pro475Thr). This variant is not present in population databases (gnomAD no frequency). This variant has not been reported in the literature in individuals affected with NAF1-related conditions. An algorithm developed to predict the effect of missense changes on protein structure and function (PolyPhen-2) suggests that this variant is likely to be disruptive. In summary, the available evidence is currently insufficient to determine the role of this variant in disease. Therefore, it has been classified as a Variant of Uncertain Significance.

NM_138386.3(NAF1):c.1423C>A (p.Pro475Thr)

Gene: NAF1 (nuclear assembly factor 1 ribonucleoprotein; minus strand). Cytogenetic location: 4q32.2.
Variant type: single nucleotide variant.
Coding change: c.1423C>A on transcript NM_138386.3 (MANE Select); coding-DNA position 1423, C replaced by A.
Protein change: p.Pro475Thr; replaces proline 475 with threonine.
Molecular consequence: missense variant. On other transcripts: intron variant (1).
Genome position (GRCh38, 1-based): chr4:163,128,959, G>T on the plus strand (C>A on the coding strand, the complement: NAF1 is on the minus strand). VCF-style: chr4-163128959-G-T. GRCh37 (hg19) VCF-style: chr4-164050111-G-T.
Other names: c.1034-1844C>A (NM_001128931.2); short protein forms P475T.
Identifiers: ClinVar variation 3695954 (VCV003695954.2).